The following is an entry in ClinVar:

NM_002734.5(PRKAR1A):c.156_158dup (p.Tyr53Ter)

Gene: PRKAR1A (protein kinase cAMP-dependent type I regulatory subunit alpha; plus strand). Cytogenetic location: 17q24.2.
Variant type: Duplication.
Coding change: c.156_158dup on transcript NM_002734.5 (MANE Select); coding-DNA positions 156 to 158, 3 bases duplicated (ATA; older notation c.156_158dupATA).
Protein change: p.Tyr53Ter; replaces tyrosine 53 with a stop codon.
Molecular consequence: nonsense.
Genome position (GRCh38, 1-based): chr17:68,515,555-68,515,557, ATA duplicated; duplicating any 3 consecutive bases within chr17:68,515,554-68,515,557 gives the same sequence; the c. name uses the placement nearest the transcript's 3' end. VCF-style (leftmost placement, unchanged base first): chr17-68515553-G-GAAT. GRCh37 (hg19) VCF-style: chr17-66511694-G-GAAT.
Other names: c.156_158dup, p.Tyr53Ter (NM_001276289.2, NM_001276290.1, NM_001278433.2 and 4 more transcripts); short protein forms Y53*.
Identifiers: ClinVar variation 3724977 (VCV003724977.2).

ClinVar aggregate classification (germline): Pathogenic (1 of 4 stars; one submission).

Conditions:
Carney complex, type 1 (CNC1). Also called: CARNEY COMPLEX, TYPE I; CARNEY MYXOMA-ENDOCRINE COMPLEX. Identifiers: Orphanet 1359, MedGen C2607929, MONDO:0008057, OMIM 160980.

Submission:

Labcorp Genetics (formerly Invitae), Labcorp
Classification: Pathogenic for Carney complex, type 1. Last evaluated: 2024-11-11. Review status: criteria provided, single submitter. Criteria: Invitae Variant Classification Sherloc (09022015). Collection method: clinical testing. Allele origin: germline.
Comment: This sequence change creates a premature translational stop signal (p.Tyr53*) in the PRKAR1A gene. It is expected to result in an absent or disrupted protein product. Loss-of-function variants in PRKAR1A are known to be pathogenic (PMID: 11115848, 19293268). This variant is not present in population databases (gnomAD no frequency). This variant has not been reported in the literature in individuals affected with PRKAR1A-related conditions. For these reasons, this variant has been classified as Pathogenic.

Literature cited by the submitters: PubMed 11115848; PubMed 19293268.